The following is an entry in ClinVar:

NM_152383.5(DIS3L2):c.1923T>A (p.Asn641Lys)

Gene: DIS3L2 (DIS3 like 3'-5' exoribonuclease 2; plus strand). Cytogenetic location: 2q37.1.
Variant type: single nucleotide variant.
Coding change: c.1923T>A on transcript NM_152383.5 (MANE Select); coding-DNA position 1923, T replaced by A.
Protein change: p.Asn641Lys; replaces asparagine 641 with lysine.
Molecular consequence: missense variant. On other transcripts: non-coding transcript variant (2), intron variant (1).
Genome position (GRCh38, 1-based): chr2:232,329,996, T>A. VCF-style: chr2-232329996-T-A. GRCh37 (hg19) VCF-style: chr2-233194706-T-A.
Other names: c.1582-13349T>A (NM_001257281.2); short protein forms N641K.
Identifiers: ClinVar variation 846939 (VCV000846939.10), dbSNP rs775814377, ClinGen allele CA350976307.
Genomic context (GRCh38, chr2:232,329,996, plus strand): 5'-GGTGGAATTCTGCGACCAGATGGGGCTGCCCGTGGACTTCAGCTCCGCAGGAGCCCTCAA[T>A]GTGAGTGGTGGGCAGGATTCGGGGGAGGCCCTGCTTGGGGGAAAGAAGAGAAAGACCTGG-3'
Protein context (NP_689596.4, residues 631-651): PVDFSSAGAL[Asn641Lys]KSLTQTFGDD

ClinVar aggregate classification (germline): Uncertain significance (1 of 4 stars; one submission).

Conditions:
Perlman syndrome (PRLMNS). Identifiers: Orphanet 2849, MedGen C0796113, MONDO:0009965, OMIM 267000.

gnomAD v4.1: 1 of 1,606,088 alleles (0.000062%); highest among the groups gnomAD compares: Non-Finnish European, 0.000085%; no homozygotes.

Submission:

Labcorp Genetics (formerly Invitae), Labcorp
Classification: Uncertain significance for Perlman syndrome. Last evaluated: 2019-12-13. Review status: criteria provided, single submitter. Criteria: Invitae Variant Classification Sherloc (09022015). Collection method: clinical testing. Allele origin: germline.
Comment: This sequence change replaces asparagine with lysine at codon 641 of the DIS3L2 protein (p.Asn641Lys). The asparagine residue is weakly conserved and there is a moderate physicochemical difference between asparagine and lysine. This variant is not present in population databases (ExAC no frequency). This variant has not been reported in the literature in individuals with DIS3L2-related conditions. Algorithms developed to predict the effect of missense changes on protein structure and function (SIFT, PolyPhen-2, Align-GVGD) all suggest that this variant is likely to be tolerated, but these predictions have not been confirmed by published functional studies and their clinical significance is uncertain. In summary, the available evidence is currently insufficient to determine the role of this variant in disease. Therefore, it has been classified as a Variant of Uncertain Significance.